The following is an entry in ClinVar:

NM_207361.6(FREM2):c.1677G>C (p.Gln559His)

Gene: FREM2 (FRAS1 related extracellular matrix 2; plus strand). Cytogenetic location: 13q13.3.
Variant type: single nucleotide variant.
Coding change: c.1677G>C on transcript NM_207361.6 (MANE Select); coding-DNA position 1677, G replaced by C.
Protein change: p.Gln559His; replaces glutamine 559 with histidine.
Molecular consequence: missense variant.
Genome position (GRCh38, 1-based): chr13:38,689,021, G>C. VCF-style: chr13-38689021-G-C. GRCh37 (hg19) VCF-style: chr13-39263158-G-C.
Other names: short protein forms Q559H.
Identifiers: ClinVar variation 880962 (VCV000880962.11), dbSNP rs199921323, ClinGen allele CA6954460.

ClinVar aggregate classification (germline): Uncertain significance. Review status: criteria provided, multiple submitters, no conflicts (2 of 4 stars). 4 submissions from 4 submitters: Uncertain significance (4). Last evaluated 2024-05-22.

Conditions:
Fraser syndrome 2 (FRASRS2). Identifiers: MedGen C4540036, MONDO:0054738, OMIM 617666.
Isolated cryptophthalmia. Also called: Cryptophthalmos, unilateral or bilateral, isolated; ANKYLOBLEPHARON, SIMPLE. Identifiers: Orphanet 91396, MedGen C1852453, MONDO:0007410, OMIM 123570.
Inborn genetic diseases. Identifiers: MedGen C0950123, MeSH D030342.

Allele frequency attached by ClinVar (database versions not stated): ESP Exome Variant Server 0.00008; gnomAD exomes 0.00010; ExAC 0.00011; TOPMed 0.00012; gnomAD 0.00018 and 0.00021.
gnomAD v4.1: 162 of 1,613,848 alleles (0.01%); highest among the groups gnomAD compares: Non-Finnish European, 0.013%; no homozygotes.

Submissions (4):

Fulgent Genetics
Classification: Uncertain significance for Isolated cryptophthalmia; Fraser syndrome 2. Last evaluated: 2024-05-22. Review status: criteria provided, single submitter. Criteria: ACMG Guidelines, 2015. Collection method: clinical testing. Allele origin: germline.

Ambry Genetics
Classification: Uncertain significance for Inborn genetic diseases. Last evaluated: 2024-04-17. Review status: criteria provided, single submitter. Criteria: Ambry Variant Classification Scheme 2023. Collection method: clinical testing. Allele origin: germline.

Labcorp Genetics (formerly Invitae), Labcorp
Classification: Uncertain significance. Last evaluated: 2022-08-21. Review status: criteria provided, single submitter. Criteria: Invitae Variant Classification Sherloc (09022015). Collection method: clinical testing. Allele origin: germline.
Comment: This sequence change replaces glutamine, which is neutral and polar, with histidine, which is basic and polar, at codon 559 of the FREM2 protein (p.Gln559His). This variant is present in population databases (rs199921323, gnomAD 0.03%). This variant has not been reported in the literature in individuals affected with FREM2-related conditions. ClinVar contains an entry for this variant (Variation ID: 880962). Algorithms developed to predict the effect of missense changes on protein structure and function are either unavailable or do not agree on the potential impact of this missense change (SIFT: "Deleterious"; PolyPhen-2: "Benign"; Align-GVGD: "Class C0"). In summary, the available evidence is currently insufficient to determine the role of this variant in disease. Therefore, it has been classified as a Variant of Uncertain Significance.

Illumina Laboratory Services, Illumina
Classification: Uncertain significance for Fraser syndrome 2. Last evaluated: 2018-01-13. Review status: criteria provided, single submitter. Criteria: ICSL Variant Classification Criteria 13 December 2019. Collection method: clinical testing. Allele origin: germline.